The following is an entry in ClinVar:

ClinVar aggregate classification (germline): Likely benign (1 of 4 stars; one submission).

Submission:

GeneDx
Classification: Likely benign. Last evaluated: 2017-08-01. Review status: criteria provided, single submitter. Criteria: GeneDx Variant Classification (06012015). Collection method: clinical testing. Allele origin: germline. Affected: yes.
Comment: This variant is considered likely benign or benign based on one or more of the following criteria: it is a conservative change, it occurs at a poorly conserved position in the protein, it is predicted to be benign by multiple in silico algorithms, and/or has population frequency not consistent with disease.

NM_001184880.2(PCDH19):c.-42del

Gene: PCDH19 (protocadherin 19; minus strand). Cytogenetic location: Xq22.1.
Variant type: Deletion.
Coding change: c.-42del on transcript NM_001184880.2 (MANE Select); 42 bases upstream of the start codon, one base deleted (A; older notation c.-42delA).
Molecular consequence: 5 prime UTR variant.
Genome position (GRCh38, 1-based): chrX:100,408,639, T deleted on the plus strand (A on the coding strand, the reverse complement: PCDH19 is on the minus strand). VCF-style (leftmost placement, unchanged base first): chrX-100408638-CT-C. GRCh37 (hg19) VCF-style: chrX-99663636-CT-C.
Other names: c.-42del (NM_001105243.2, NM_020766.3).
Identifiers: ClinVar variation 511166 (VCV000511166.1), dbSNP rs1555985910, ClinGen allele CA658799828.
Genomic context (GRCh38, chrX:100,408,638, plus strand): 5'-GGCAGCAGGAGCGACTCCATGGCTGCACGGGGCTCTGCCTGGCCTCGCCTCTCCACACCC[CT>C]CCGAGACCGACGCCGTCGGCGCTCCAGCTTCCCGCCGGCTCGGGCCGCCTGTTGCGCGCG-3'